The following is an entry in ClinVar:

ClinVar aggregate classification (germline): Uncertain significance (1 of 4 stars; one submission).

gnomAD v4.1: 1 of 1,614,106 alleles (0.000062%); highest among the groups gnomAD compares: Admixed American, 0.0017%; no homozygotes.

Submission:

Labcorp Genetics (formerly Invitae), Labcorp
Classification: Uncertain significance. Last evaluated: 2024-06-12. Review status: criteria provided, single submitter. Criteria: Invitae Variant Classification Sherloc (09022015). Collection method: clinical testing. Allele origin: germline.
Comment: This sequence change replaces tyrosine, which is neutral and polar, with cysteine, which is neutral and slightly polar, at codon 183 of the NDUFS8 protein (p.Tyr183Cys). This variant is not present in population databases (gnomAD no frequency). This variant has not been reported in the literature in individuals affected with NDUFS8-related conditions. An algorithm developed to predict the effect of missense changes on protein structure and function (PolyPhen-2) suggests that this variant is likely to be disruptive. In summary, the available evidence is currently insufficient to determine the role of this variant in disease. Therefore, it has been classified as a Variant of Uncertain Significance.

NM_002496.4(NDUFS8):c.548A>G (p.Tyr183Cys)

Gene: NDUFS8 (NADH:ubiquinone oxidoreductase core subunit S8; plus strand). Cytogenetic location: 11q13.2.
Variant type: single nucleotide variant.
Coding change: c.548A>G on transcript NM_002496.4 (MANE Select); coding-DNA position 548, A replaced by G.
Protein change: p.Tyr183Cys; replaces tyrosine 183 with cysteine.
Molecular consequence: missense variant.
Genome position (GRCh38, 1-based): chr11:68,036,508, A>G. VCF-style: chr11-68036508-A-G. GRCh37 (hg19) VCF-style: chr11-67803975-A-G.
Other names: short protein forms Y183C.
Identifiers: ClinVar variation 3676561 (VCV003676561.2).